The following is an entry in ClinVar:

NM_000530.8(MPZ):c.362A>G (p.Asp121Gly)

Gene: MPZ (myelin protein zero; minus strand). Cytogenetic location: 1q23.3.
Variant type: single nucleotide variant.
Coding change: c.362A>G on transcript NM_000530.8 (MANE Select); coding-DNA position 362, A replaced by G.
Protein change: p.Asp121Gly; replaces aspartic acid 121 with glycine.
Molecular consequence: missense variant.
Genome position (GRCh38, 1-based): chr1:161,306,794, T>C on the plus strand (A>G on the coding strand, the complement: MPZ is on the minus strand). VCF-style: chr1-161306794-T-C. GRCh37 (hg19) VCF-style: chr1-161276584-T-C.
Other names: c.362A>G (LRG_256t1); c.362A>G, p.Asp121Gly (NM_001315491.2); short protein forms D121G.
Identifiers: ClinVar variation 658150 (VCV000658150.11), dbSNP rs1571818953, ClinGen allele CA343349058.

ClinVar aggregate classification (germline): Conflicting classifications of pathogenicity. Review status: criteria provided, conflicting classifications (1 of 4 stars). 4 submissions from 4 submitters: Pathogenic (2); Uncertain significance (1). 1 of the submissions does not count toward it. Last evaluated 2025-08-21.

Conditions:
Charcot-Marie-Tooth disease type 1B. Also called: Charcot-Marie-Tooth disease, demyelinating, type 1b; Hereditary motor and sensory neuropathy 1B; Charcot-Marie-Tooth disease, type IB; CHARCOT-MARIE-TOOTH DISEASE, AUTOSOMAL DOMINANT, WITH FOCALLY FOLDED MYELIN SHEATHS, TYPE 1B; CHARCOT-MARIE-TOOTH DISEASE, SLOW NERVE CONDUCTION TYPE, LINKED TO DUFFY; CHARCOT-MARIE-TOOTH NEUROPATHY, TYPE 1B. Identifiers: Orphanet 101082, MedGen C0270912, MONDO:0007307, OMIM 118200.
Charcot-Marie-Tooth disease, type I (CMT1). Also called: Charcot-Marie-Tooth disease type 1; Charcot-Marie-Tooth, Type 1. Identifiers: Orphanet 65753, MedGen C0751036, MONDO:0019011.

Submissions (4):

Labcorp Genetics (formerly Invitae), Labcorp
Classification: Pathogenic for Charcot-Marie-Tooth disease, type I. Last evaluated: 2025-08-21. Review status: criteria provided, single submitter. Criteria: Invitae Variant Classification Sherloc (09022015). Collection method: clinical testing. Allele origin: germline.
Comment: This sequence change replaces aspartic acid, which is acidic and polar, with glycine, which is neutral and non-polar, at codon 121 of the MPZ protein (p.Asp121Gly). This variant is not present in population databases (gnomAD no frequency). This missense change has been observed in individual(s) with Charcot-Marie-Tooth disease (PMID: 33842081, 34060176). It has also been observed to segregate with disease in related individuals. ClinVar contains an entry for this variant (Variation ID: 658150). Invitae Evidence Modeling of protein sequence and biophysical properties (such as structural, functional, and spatial information, amino acid conservation, physicochemical variation, residue mobility, and thermodynamic stability) indicates that this missense variant is expected to disrupt MPZ protein function with a positive predictive value of 80%. This variant disrupts the p.Asp121 amino acid residue in MPZ. Other variant(s) that disrupt this residue have been determined to be pathogenic (PMID: 27774063). This suggests that this residue is clinically significant, and that variants that disrupt this residue are likely to be disease-causing. For these reasons, this variant has been classified as Pathogenic.

GeneDx
Classification: Pathogenic. Last evaluated: 2025-02-24. Review status: criteria provided, single submitter. Criteria: GeneDx Variant Classification Process June 2021. Collection method: clinical testing. Allele origin: germline. Affected: yes.
Comment: Not observed at significant frequency in large population cohorts (gnomAD); Missense variants in this gene are a common cause of disease and they are underrepresented in the general population; In silico analysis supports that this missense variant has a deleterious effect on protein structure/function; This variant is associated with the following publications: (PMID: 26310628, 20461396, 34060176, 33842081, 34476298)

CMT Laboratory, Bogazici University
Classification: Uncertain significance for Charcot-Marie-Tooth disease type 1B. Last evaluated: 2020-12-01. Review status: criteria provided, single submitter. Criteria: ACMG Guidelines, 2015. Collection method: clinical testing. Allele origin: germline. Affected: yes. Observed: 1 variant allele.

Genesis Genome Database
Classification: Uncertain significance for Charcot-Marie-Tooth disease, type I. Last evaluated: 2019-08-14. Review status: no assertion criteria provided. Collection method: research. Allele origin: germline. Affected: yes. Not counted in ClinVar's aggregate classification.

Literature cited by the submitters: PubMed 33842081 (cited by Labcorp Genetics (formerly Invitae), Labcorp); PubMed 34060176 (cited by Labcorp Genetics (formerly Invitae), Labcorp); PubMed 27774063 (cited by Labcorp Genetics (formerly Invitae), Labcorp); PubMed 31673878 (cited by CMT Laboratory, Bogazici University).